The following is an entry in ClinVar:

ClinVar aggregate classification (germline): Uncertain significance (1 of 4 stars; one submission).

Conditions:
Primary ciliary dyskinesia. Also called: Ciliary dyskinesia. Identifiers: Orphanet 244, MedGen C0008780, MONDO:0016575, HP:0012265.

Submission:

Labcorp Genetics (formerly Invitae), Labcorp
Classification: Uncertain significance for Primary ciliary dyskinesia. Last evaluated: 2022-09-06. Review status: criteria provided, single submitter. Criteria: Invitae Variant Classification Sherloc (09022015). Collection method: clinical testing. Allele origin: germline.
Comment: In summary, the available evidence is currently insufficient to determine the role of this variant in disease. Therefore, it has been classified as a Variant of Uncertain Significance. Experimental studies and prediction algorithms are not available or were not evaluated, and the functional significance of this variant is currently unknown. This variant has not been reported in the literature in individuals affected with RPGR (ORF15)-related conditions. This variant is not present in population databases (gnomAD no frequency). This variant, c.2906_2907ins27, results in the insertion of 9 amino acid(s) of the RPGR (ORF15) protein (p.Glu969_Gly970ins9), but otherwise preserves the integrity of the reading frame.

NM_001034853.2(RPGR):c.2906_2907insGGAAGGAGAATGGGAGGGGGAAGAGGA (p.Glu969_Gly970insGluGlyGluTrpGluGlyGluGluGlu)

Gene: RPGR (retinitis pigmentosa GTPase regulator; minus strand). Cytogenetic location: Xp11.4.
Variant type: Insertion.
Coding change: c.2906_2907insGGAAGGAGAATGGGAGGGGGAAGAGGA on transcript NM_001034853.2 (MANE Select); coding-DNA positions 2906 to 2907, GGAAGGAGAATGGGAGGGGGAAGAGGA inserted.
Protein change: p.Glu969_Gly970insGluGlyGluTrpGluGlyGluGluGlu.
Molecular consequence: inframe insertion. On other transcripts: intron variant (8).
Genome position: GRCh38 VCF-style: chrX-38286092-T-TTCCTCTTCCCCCTCCCATTCTCCTTCC. GRCh37 (hg19) VCF-style: chrX-38145345-T-TTCCTCTTCCCCCTCCCATTCTCCTTCC.
Other names: c.1569+4866_1569+4867insGGGAGGGGGAAGAGGAGGAAGGAGAAT (NM_001367249.1, NM_001367250.1); c.1902+1001_1902+1002insGGGAGGGGGAAGAGGAGGAAGGAGAAT (NM_001367245.1); c.1386+4866_1386+4867insGGGAGGGGGAAGAGGAGGAAGGAGAAT (NM_001367251.1); c.1719+1001_1719+1002insGGGAGGGGGAAGAGGAGGAAGGAGAAT (NM_001367246.1); c.1572+4866_1572+4867insGGGAGGGGGAAGAGGAGGAAGGAGAAT (NM_001367247.1); c.1905+1001_1905+1002insGGGAGGGGGAAGAGGAGGAAGGAGAAT (NM_000328.3); c.1602+4866_1602+4867insGGGAGGGGGAAGAGGAGGAAGGAGAAT (NM_001367248.1).
Identifiers: ClinVar variation 2148491 (VCV002148491.4), dbSNP rs2519785385, ClinGen allele CA2580100832.
Genomic context (GRCh38, chrX:38,286,092, plus strand): 5'-CTCCCCTTCTCCTTCCTCCTCTTCCCCCTCCCCTTCTCCTTCCTCCCCTTCCCCTTCTCC[T>TTCCTCTTCCCCCTCCCATTCTCCTTCC]TCCTCTTCCCCCTCCCCTTCTCCTTCCTCCTCTTCCCCCTCCCATTCTCCTTCCTCCTCT-3'